The following is an entry in ClinVar:

ClinVar aggregate classification (germline): Uncertain significance. Review status: criteria provided, multiple submitters, no conflicts (2 of 4 stars). 2 submissions from 2 submitters: Uncertain significance (2). Last evaluated 2024-11-26.

Conditions:
Hereditary cancer-predisposing syndrome. Also called: Hereditary neoplastic syndrome; Tumor predisposition; Neoplastic Syndromes, Hereditary; Hereditary Cancer Syndrome. Identifiers: Orphanet 140162, MedGen C0027672, MeSH D009386, MONDO:0015356.
Rhabdoid tumor predisposition syndrome 2 (RTPS2). Identifiers: Orphanet 231108, Orphanet 69077, MedGen C2750074, MONDO:0013224, OMIM 613325.

Allele frequency attached by ClinVar (database versions not stated): gnomAD exomes below 0.00001; TOPMed below 0.00001.
gnomAD v4.1: 2 of 1,613,992 alleles (0.00012%); highest among the groups gnomAD compares: Non-Finnish European, 0.00017%; no homozygotes.

Submissions (2):

Ambry Genetics
Classification: Uncertain significance for Hereditary cancer-predisposing syndrome. Last evaluated: 2024-11-26. Review status: criteria provided, single submitter. Criteria: Ambry Variant Classification Scheme 2023. Collection method: clinical testing. Allele origin: germline.
Comment: The p.E1677K variant (also known as c.5029G>A), located in coding exon 35 of the SMARCA4 gene, results from a G to A substitution at nucleotide position 5029. The glutamic acid at codon 1677 is replaced by lysine, an amino acid with similar properties. This amino acid position is highly conserved in available vertebrate species. In addition, the in silico prediction for this alteration is inconclusive. Missense and in-frame variants in SMARCA4 are known to cause neurodevelopmental disorders; however, such associations with rhabdoid tumor predisposition syndrome including small cell carcinoma of the ovary-hypercalcemic type (SCCOHT) are exceedingly rare (Kosho T et al. Am J Med Genet C Semin Med Genet. 2014 Sep;166C(3):262-75; Jelinic P et al. Nat Genet. 2014 May;46(5):424-6). Based on the supporting evidence, the association of this alteration with Coffin-Siris syndrome is unknown; however, the association of this alteration with rhabdoid tumor predisposition syndrome is unlikely.

Labcorp Genetics (formerly Invitae), Labcorp
Classification: Uncertain significance for Rhabdoid tumor predisposition syndrome 2. Last evaluated: 2024-02-23. Review status: criteria provided, single submitter. Criteria: Invitae Variant Classification Sherloc (09022015). Collection method: clinical testing. Allele origin: germline.
Comment: This sequence change replaces glutamic acid, which is acidic and polar, with lysine, which is basic and polar, at codon 1677 of the SMARCA4 protein (p.Glu1677Lys). This variant is present in population databases (no rsID available, gnomAD 0.0009%). This variant has not been reported in the literature in individuals affected with SMARCA4-related conditions. ClinVar contains an entry for this variant (Variation ID: 956821). Advanced modeling of protein sequence and biophysical properties (such as structural, functional, and spatial information, amino acid conservation, physicochemical variation, residue mobility, and thermodynamic stability) has been performed at Invitae for this missense variant, however the output from this modeling did not meet the statistical confidence thresholds required to predict the impact of this variant on SMARCA4 protein function. In summary, the available evidence is currently insufficient to determine the role of this variant in disease. Therefore, it has been classified as a Variant of Uncertain Significance.

NM_003072.5(SMARCA4):c.4933G>A (p.Glu1645Lys)

Gene: SMARCA4 (SWI/SNF related BAF chromatin remodeling complex subunit ATPase 4; plus strand). Cytogenetic location: 19p13.2.
Variant type: single nucleotide variant.
Coding change: c.4933G>A on transcript NM_003072.5 (MANE Select); coding-DNA position 4933, G replaced by A.
Protein change: p.Glu1645Lys; replaces glutamic acid 1645 with lysine.
Molecular consequence: missense variant. On other transcripts: non-coding transcript variant (1).
Genome position (GRCh38, 1-based): chr19:11,061,805, G>A. VCF-style: chr19-11061805-G-A. GRCh37 (hg19) VCF-style: chr19-11172481-G-A.
Other names: c.4933G>A, p.Glu1645Lys (NM_001128844.3); c.4843G>A, p.Glu1615Lys (NM_001128845.2); c.4840G>A, p.Glu1614Lys (NM_001128846.2); c.4834G>A, p.Glu1612Lys (NM_001128847.4, NM_001374457.1); c.4831G>A, p.Glu1611Lys (NM_001128848.2); c.5029G>A, p.Glu1677Lys (NM_001128849.3); short protein forms E1611K, E1615K, E1614K, E1645K, E1612K, E1677K.
Identifiers: ClinVar variation 956821 (VCV000956821.13), dbSNP rs1261182514, ClinGen allele CA404081937.